The following is an entry in ClinVar:

NM_001379029.1(CERT1):c.1675G>A (p.Val559Ile)

Gene: CERT1 (ceramide transporter 1; minus strand). Cytogenetic location: 5q13.3.
Variant type: single nucleotide variant.
Coding change: c.1675G>A on transcript NM_001379029.1 (MANE Select); coding-DNA position 1675, G replaced by A.
Protein change: p.Val559Ile; replaces valine 559 with isoleucine.
Molecular consequence: missense variant.
Genome position (GRCh38, 1-based): chr5:75,381,144, C>T on the plus strand (G>A on the coding strand, the complement: CERT1 is on the minus strand). VCF-style: chr5-75381144-C-T. GRCh37 (hg19) VCF-style: chr5-74676969-C-T.
Other names: c.1675G>A, p.Val559Ile (NM_005713.3, NM_001379002.1); c.1597G>A, p.Val533Ile (NM_031361.3, NM_001379003.1, NM_001379004.1); c.2059G>A, p.Val687Ile (NM_001130105.1); short protein forms V533I, V559I, V687I.
Identifiers: ClinVar variation 4819010 (VCV004819010.1).
Genomic context (GRCh38, chr5:75,381,144, plus strand): 5'-ATGTAATCTTGCATAGAATGTTGTCCCTGCTAATTTCCTGGTTTCCCTCTGGTGGGCTTA[C>T]CAAGGTTTGACAAATCATAGCAACATTTATTTTGGCACGGACACATCGGTTGTTTAGCTG-3'
Protein context (NP_001365958.1, residues 549-569): INVAMICQTL[Val559Ile]SPPEGNQEIS

ClinVar aggregate classification (germline): Uncertain significance (1 of 4 stars; one submission).

Conditions:
Intellectual disability, autosomal dominant 34 (NEDHSF). Also called: NEURODEVELOPMENTAL DISORDER WITH HYPOTONIA, SPEECH DELAY, AND DYSMORPHIC FACIES; CERTRA SYNDROME; INTELLECTUAL DEVELOPMENTAL DISORDER, AUTOSOMAL DOMINANT 34; Ceramide Transporter Syndrome. Identifiers: MedGen C4225156, MONDO:0014599, OMIM 616351.

Submission:

Victorian Clinical Genetics Services, Murdoch Childrens Research Institute
Classification: Uncertain significance for Intellectual disability, autosomal dominant 34. Last evaluated: 2025-11-26. Review status: criteria provided, single submitter. Criteria: ACMG Guidelines, 2015. Collection method: clinical testing. Allele origin: germline. Affected: yes.
Comment: This variant is classified as VUS-3B. Evidence in support of pathogenic classification: Variant is absent from gnomAD (v2, v3 and v4). Additional information: Variant is predicted to result in a missense amino acid change from Val to Ile; This variant is heterozygous; This gene is associated with autosomal dominant disease; This variant has no previous evidence of pathogenicity; No published evidence of segregation with disease has been identified for this variant; No published functional evidence has been identified for this variant; No comparable missense variants have previous evidence for pathogenicity; Variant is located in the annotated START domain (DECIPHER). - Missense variant with inconclusive in silico prediction and/or uninformative conservation; Gain of function is a known mechanism of disease in this gene and is associated with autosomal dominant neurodevelopmental disorder with hypotonia, speech delay, and dysmorphic facies (MIM#616351); Variants in this gene are known to have variable expressivity (OMIM); Inheritance information for this variant is not currently available in this individual.